The following is an entry in ClinVar:

ClinVar aggregate classification (germline): Uncertain significance. Review status: criteria provided, multiple submitters, no conflicts (2 of 4 stars). 3 submissions from 3 submitters: Uncertain significance (3). Last evaluated 2024-12-02.

Conditions:
Familial steroid-resistant nephrotic syndrome with sensorineural deafness. Identifiers: Orphanet 280406, MedGen C3553349, MONDO:0013836, OMIM 614650.

Allele frequency attached by ClinVar (database versions not stated): 1000 Genomes Project 0.00180; ExAC 0.00019; ESP Exome Variant Server 0.00031; TOPMed 0.00045; gnomAD 0.00046 and 0.00049; gnomAD exomes 0.00006 and 0.00016; 1000 Genomes Project 30x 0.00156.
gnomAD v4.1: 166 of 1,614,136 alleles (0.01%); highest among the groups gnomAD compares: African/African-American, 0.17%; no homozygotes.

Submissions (3):

Labcorp Genetics (formerly Invitae), Labcorp
Classification: Uncertain significance. Last evaluated: 2024-12-02. Review status: criteria provided, single submitter. Criteria: Invitae Variant Classification Sherloc (09022015). Collection method: clinical testing. Allele origin: germline.
Comment: This sequence change replaces threonine, which is neutral and polar, with methionine, which is neutral and non-polar, at codon 446 of the COQ6 protein (p.Thr446Met). This variant is present in population databases (rs146458320, gnomAD 0.2%). This variant has not been reported in the literature in individuals affected with COQ6-related conditions. ClinVar contains an entry for this variant (Variation ID: 1392023). Invitae Evidence Modeling of protein sequence and biophysical properties (such as structural, functional, and spatial information, amino acid conservation, physicochemical variation, residue mobility, and thermodynamic stability) indicates that this missense variant is expected to disrupt COQ6 protein function with a positive predictive value of 80%. In summary, the available evidence is currently insufficient to determine the role of this variant in disease. Therefore, it has been classified as a Variant of Uncertain Significance.

Fulgent Genetics
Classification: Uncertain significance for Familial steroid-resistant nephrotic syndrome with sensorineural deafness. Last evaluated: 2024-05-10. Review status: criteria provided, single submitter. Criteria: ACMG Guidelines, 2015. Collection method: clinical testing. Allele origin: germline.

GeneDx
Classification: Uncertain significance. Last evaluated: 2022-08-30. Review status: criteria provided, single submitter. Criteria: GeneDx Variant Classification Process June 2021. Collection method: clinical testing. Allele origin: germline. Affected: yes.
Comment: In silico analysis supports that this missense variant has a deleterious effect on protein structure/function; Has not been previously published as pathogenic or benign to our knowledge

NM_182476.3(COQ6):c.1337C>T (p.Thr446Met)

Genes: COQ6 (coenzyme Q6, monooxygenase; plus strand), ENTPD5 (ectonucleoside triphosphate diphosphohydrolase 5; minus strand). Cytogenetic location: 14q24.3.
Variant type: single nucleotide variant.
Coding change: c.1337C>T on transcript NM_182476.3 (MANE Select); coding-DNA position 1337, C replaced by T.
Protein change: p.Thr446Met; replaces threonine 446 with methionine.
Molecular consequence: missense variant. On other transcripts: intron variant (7).
Genome position (GRCh38, 1-based): chr14:73,961,863, C>T. VCF-style: chr14-73961863-C-T. GRCh37 (hg19) VCF-style: chr14-74428566-C-T.
Other names: c.1229C>T, p.Thr410Met (NM_001425256.1); c.1172C>T, p.Thr391Met (NM_001425257.1); c.1154C>T, p.Thr385Met (NM_001425258.1); c.1112C>T, p.Thr371Met (NM_001425259.1, NM_001425260.1, NM_001425261.1); c.1082C>T, p.Thr361Met (NM_001425262.1); c.1010C>T, p.Thr337Met (NM_001425263.1); c.797C>T, p.Thr266Met (NM_001425264.1, NM_001425265.1); c.1262C>T, p.Thr421Met (NM_182480.3); and 5 more; short protein forms T446M, T421M.
Identifiers: ClinVar variation 1392023 (VCV001392023.9), dbSNP rs146458320, ClinGen allele CA7264509.